The following is an entry in ClinVar:

ClinVar aggregate classification (germline): Uncertain significance (1 of 4 stars; one submission).

Conditions:
KBG syndrome (KBGS). Also called: ANKRD11-Related KBG Syndrome. Identifiers: Orphanet 2332, MedGen C0220687, MONDO:0007846, OMIM 148050.

Allele frequency attached by ClinVar (database versions not stated): gnomAD 0.00001; gnomAD exomes 0.00001.
gnomAD v4.1: 18 of 1,578,956 alleles (0.0011%); highest among the groups gnomAD compares: Middle Eastern, 0.017%; no homozygotes.

Submission:

Labcorp Genetics (formerly Invitae), Labcorp
Classification: Uncertain significance for KBG syndrome. Last evaluated: 2023-12-06. Review status: criteria provided, single submitter. Criteria: Invitae Variant Classification Sherloc (09022015). Collection method: clinical testing. Allele origin: germline.
Comment: This sequence change replaces serine, which is neutral and polar, with tyrosine, which is neutral and polar, at codon 1852 of the ANKRD11 protein (p.Ser1852Tyr). This variant is not present in population databases (gnomAD no frequency). This variant has not been reported in the literature in individuals affected with ANKRD11-related conditions. Advanced modeling of protein sequence and biophysical properties (such as structural, functional, and spatial information, amino acid conservation, physicochemical variation, residue mobility, and thermodynamic stability) performed at Invitae indicates that this missense variant is not expected to disrupt ANKRD11 protein function with a negative predictive value of 95%. In summary, the available evidence is currently insufficient to determine the role of this variant in disease. Therefore, it has been classified as a Variant of Uncertain Significance.

NM_013275.6(ANKRD11):c.5555C>A (p.Ser1852Tyr)

Gene: ANKRD11 (ankyrin repeat domain 11; minus strand). Cytogenetic location: 16q24.3.
Variant type: single nucleotide variant.
Coding change: c.5555C>A on transcript NM_013275.6 (MANE Select); coding-DNA position 5555, C replaced by A.
Protein change: p.Ser1852Tyr; replaces serine 1852 with tyrosine.
Molecular consequence: missense variant.
Genome position (GRCh38, 1-based): chr16:89,280,987, G>T on the plus strand (C>A on the coding strand, the complement: ANKRD11 is on the minus strand). VCF-style: chr16-89280987-G-T. GRCh37 (hg19) VCF-style: chr16-89347395-G-T.
Other names: c.5555C>A, p.Ser1852Tyr (NM_001256182.2, NM_001256183.2); short protein forms S1852Y.
Identifiers: ClinVar variation 3005160 (VCV003005160.3), dbSNP rs200546805, ClinGen allele CA286513825.